The following is an entry in ClinVar:

NM_001012614.2(CTBP1):c.1206T>A (p.Pro402=)

Genes: CTBP1-AS (CTBP1 antisense RNA; plus strand), CTBP1 (C-terminal binding protein 1; minus strand). Cytogenetic location: 4p16.3.
Variant type: single nucleotide variant.
Coding change: c.1206T>A on transcript NM_001012614.2 (MANE Select); coding-DNA position 1206, T replaced by A.
Protein change: p.Pro402=; no amino-acid change (proline 402 retained).
Molecular consequence: synonymous variant. On other transcripts: non-coding transcript variant (1).
Genome position (GRCh38, 1-based): chr4:1,212,324, A>T on the plus strand (T>A on the coding strand, the complement: CTBP1 is on the minus strand). VCF-style: chr4-1212324-A-T. GRCh37 (hg19) VCF-style: chr4-1206112-A-T.
Other names: p.Pro413=; c.1239T>A, p.Pro413= (NM_001328.3).
Identifiers: ClinVar variation 750794 (VCV000750794.35), dbSNP rs369652853, ClinGen allele CA2804153.

ClinVar aggregate classification (germline): Benign/Likely benign. Review status: criteria provided, multiple submitters, no conflicts (2 of 4 stars). 5 submissions from 5 submitters: Benign (1); Likely benign (3). 1 of the submissions does not count toward it. Last evaluated 2026-08-01.

Conditions:
CTBP1-related disorder. Also called: CTBP1-related condition.

Allele frequency attached by ClinVar (database versions not stated): TOPMed 0.00042; gnomAD exomes 0.00045; ESP Exome Variant Server 0.00047; gnomAD 0.00083; ExAC 0.00120.
gnomAD v4.1: 1,194 of 1,506,040 alleles (0.079%); highest among the groups gnomAD compares: Non-Finnish European, 0.1%; no homozygotes.

Submissions (5):

CeGaT Center for Human Genetics Tuebingen
Classification: Likely benign. Last evaluated: 2026-08-01. Review status: criteria provided, single submitter. Criteria: CeGaT Center For Human Genetics Tuebingen Variant Classification Criteria Version 2. Collection method: clinical testing. Allele origin: germline. Affected: yes. Observed: 4 variant alleles.
Comment: CTBP1: BP4, BP7

Mayo Clinic Laboratories, Mayo Clinic
Classification: Likely benign. Last evaluated: 2025-08-13. Review status: criteria provided, single submitter. Criteria: ACMG Guidelines, 2015. Collection method: clinical testing. Allele origin: germline. Observed: 2 variant alleles.
Comment: BP4, BP7

Labcorp Genetics (formerly Invitae), Labcorp
Classification: Benign. Last evaluated: 2025-04-28. Review status: criteria provided, single submitter. Criteria: Invitae Variant Classification Sherloc (09022015). Collection method: clinical testing. Allele origin: germline.

Blueprint Genetics
Classification: Likely benign. Last evaluated: 2024-10-15. Review status: criteria provided, single submitter. Criteria: ACMG Guidelines, 2015. Collection method: clinical testing. Allele origin: germline.

PreventionGenetics, part of Exact Sciences
Classification: Likely benign for CTBP1-related condition. Last evaluated: 2023-07-29. Review status: no assertion criteria provided. Collection method: clinical testing. Allele origin: germline. Not counted in ClinVar's aggregate classification.
Comment: This variant is classified as likely benign based on ACMG/AMP sequence variant interpretation guidelines (Richards et al. 2015 PMID: 25741868, with internal and published modifications).